The following is an entry in ClinVar:

NM_203486.3(DLL3):c.654G>T (p.Leu218=)

Gene: DLL3 (delta like canonical Notch ligand 3; plus strand). Cytogenetic location: 19q13.2.
Variant type: single nucleotide variant.
Coding change: c.654G>T on transcript NM_203486.3 (MANE Select); coding-DNA position 654, G replaced by T.
Protein change: p.Leu218=; no amino-acid change (leucine 218 retained).
Molecular consequence: synonymous variant.
Genome position (GRCh38, 1-based): chr19:39,504,072, G>T. VCF-style: chr19-39504072-G-T. GRCh37 (hg19) VCF-style: chr19-39994712-G-T.
Other names: c.654G>T, p.Leu218= (NM_016941.4).
Identifiers: ClinVar variation 787572 (VCV000787572.7), dbSNP rs140489087, ClinGen allele CA9432243.

ClinVar aggregate classification (germline): Likely benign. Review status: criteria provided, multiple submitters, no conflicts (2 of 4 stars). 3 submissions from 3 submitters: Likely benign (2). 1 of the submissions does not count toward it. Last evaluated 2024-11-06.

Conditions:
DLL3-related disorder. Also called: DLL3-related condition.

Allele frequency attached by ClinVar (database versions not stated): gnomAD 0.00006; TOPMed 0.00006.
gnomAD v4.1: 189 of 1,612,990 alleles (0.012%); highest among the groups gnomAD compares: Middle Eastern, 0.099%; no homozygotes.

Submissions (3):

Blueprint Genetics
Classification: Likely benign. Last evaluated: 2024-11-06. Review status: criteria provided, single submitter. Criteria: ACMG Guidelines, 2015. Collection method: clinical testing. Allele origin: germline.

Labcorp Genetics (formerly Invitae), Labcorp
Classification: Likely benign. Last evaluated: 2019-12-31. Review status: criteria provided, single submitter. Criteria: Invitae Variant Classification Sherloc (09022015). Collection method: clinical testing. Allele origin: germline.

PreventionGenetics, part of Exact Sciences
Classification: Likely benign for DLL3-related condition. Last evaluated: 2019-02-21. Review status: no assertion criteria provided. Collection method: clinical testing. Allele origin: germline. Not counted in ClinVar's aggregate classification.
Comment: This variant is classified as likely benign based on ACMG/AMP sequence variant interpretation guidelines (Richards et al. 2015 PMID: 25741868, with internal and published modifications).